The following is an entry in ClinVar:

NM_001852.4(COL9A2):c.1107+4A>G

Gene: COL9A2 (collagen type IX alpha 2 chain; minus strand). Cytogenetic location: 1p34.2.
Variant type: single nucleotide variant.
Coding change: c.1107+4A>G on transcript NM_001852.4 (MANE Select); 4 bases into the intron after coding-DNA position 1107, A replaced by G.
Molecular consequence: intron variant.
Genome position (GRCh38, 1-based): chr1:40,305,711, T>C on the plus strand (A>G on the coding strand, the complement: COL9A2 is on the minus strand). VCF-style: chr1-40305711-T-C. GRCh37 (hg19) VCF-style: chr1-40771383-T-C.
Identifiers: ClinVar variation 3714553 (VCV003714553.3).

ClinVar aggregate classification (germline): Uncertain significance. Review status: criteria provided, multiple submitters, no conflicts (2 of 4 stars). 2 submissions from 2 submitters: Uncertain significance (2). Last evaluated 2024-09-04.

gnomAD v4.1: 7 of 1,613,860 alleles (0.00043%); highest among the groups gnomAD compares: African/African-American, 0.0093%; no homozygotes.

Submissions (2):

GeneDx
Classification: Uncertain significance. Last evaluated: 2024-09-04. Review status: criteria provided, single submitter. Criteria: GeneDx Variant Classification Process June 2021. Collection method: clinical testing. Allele origin: germline. Affected: yes.
Comment: In silico analysis indicates that this variant does not alter splicing; Has not been previously published as pathogenic or benign to our knowledge

Labcorp Genetics (formerly Invitae), Labcorp
Classification: Uncertain significance. Last evaluated: 2024-07-01. Review status: criteria provided, single submitter. Criteria: Invitae Variant Classification Sherloc (09022015). Collection method: clinical testing. Allele origin: germline.
Comment: This sequence change falls in intron 21 of the COL9A2 gene. It does not directly change the encoded amino acid sequence of the COL9A2 protein. It affects a nucleotide within the consensus splice site. This variant is present in population databases (no rsID available, gnomAD 0.03%). This variant has not been reported in the literature in individuals affected with COL9A2-related conditions. Variants that disrupt the consensus splice site are a relatively common cause of aberrant splicing (PMID: 17576681, 9536098). Algorithms developed to predict the effect of sequence changes on RNA splicing suggest that this variant may disrupt the consensus splice site. In summary, the available evidence is currently insufficient to determine the role of this variant in disease. Therefore, it has been classified as a Variant of Uncertain Significance.

Literature cited by the submitters: PubMed 17576681 (cited by Labcorp Genetics (formerly Invitae), Labcorp); PubMed 9536098 (cited by Labcorp Genetics (formerly Invitae), Labcorp).